The following is an entry in ClinVar:

NM_006000.3(TUBA4A):c.1224T>C (p.Tyr408=)

Gene: TUBA4A (tubulin alpha 4a; minus strand). Cytogenetic location: 2q35.
Variant type: single nucleotide variant.
Coding change: c.1224T>C on transcript NM_006000.3 (MANE Select); coding-DNA position 1224, T replaced by C.
Protein change: p.Tyr408=; no amino-acid change (tyrosine 408 retained).
Molecular consequence: synonymous variant.
Genome position (GRCh38, 1-based): chr2:219,250,475, A>G on the plus strand (T>C on the coding strand, the complement: TUBA4A is on the minus strand). VCF-style: chr2-219250475-A-G. GRCh37 (hg19) VCF-style: chr2-220115197-A-G.
Other names: c.1179T>C, p.Tyr393= (NM_001278552.2).
Identifiers: ClinVar variation 3057413 (VCV003057413.2), dbSNP rs1574883555, ClinGen allele CA431285415.

ClinVar aggregate classification (germline): Likely benign (0 of 4 stars; one submission).

Conditions:
TUBA4A-related disorder. Also called: TUBA4A-related condition.

Submission:

PreventionGenetics, part of Exact Sciences
Classification: Likely benign for TUBA4A-related condition. Last evaluated: 2023-10-03. Review status: no assertion criteria provided. Collection method: clinical testing. Allele origin: germline.
Comment: This variant is classified as likely benign based on ACMG/AMP sequence variant interpretation guidelines (Richards et al. 2015 PMID: 25741868, with internal and published modifications).